The following is an entry in ClinVar:

ClinVar aggregate classification (germline): Uncertain significance (1 of 4 stars; one submission).

Allele frequency attached by ClinVar (database versions not stated): gnomAD exomes below 0.00001.
gnomAD v4.1: 2 of 1,610,028 alleles (0.00012%); highest among the groups gnomAD compares: Non-Finnish European, 0.00017%; no homozygotes.

Submission:

Ambry Genetics
Classification: Uncertain significance. Last evaluated: 2023-12-30. Review status: criteria provided, single submitter. Criteria: Ambry Variant Classification Scheme 2023. Collection method: clinical testing. Allele origin: germline.
Comment: The p.N1064D variant (also known as c.3190A>G), located in coding exon 25 of the BUB1 gene, results from an A to G substitution at nucleotide position 3190. The asparagine at codon 1064 is replaced by aspartic acid, an amino acid with highly similar properties. This amino acid position is conserved. In addition, this alteration is predicted to be tolerated by in silico analysis. Since supporting evidence is limited at this time, the clinical significance of this alteration remains unclear.

NM_004336.5(BUB1):c.3190A>G (p.Asn1064Asp)

Gene: BUB1 (BUB1 mitotic checkpoint serine/threonine kinase; minus strand). Cytogenetic location: 2q13.
Variant type: single nucleotide variant.
Coding change: c.3190A>G on transcript NM_004336.5 (MANE Select); coding-DNA position 3190, A replaced by G.
Protein change: p.Asn1064Asp; replaces asparagine 1064 with aspartic acid.
Molecular consequence: missense variant.
Genome position (GRCh38, 1-based): chr2:110,638,032, T>C on the plus strand (A>G on the coding strand, the complement: BUB1 is on the minus strand). VCF-style: chr2-110638032-T-C. GRCh37 (hg19) VCF-style: chr2-111395609-T-C.
Other names: c.3130A>G, p.Asn1044Asp (NM_001278616.2); c.3019A>G, p.Asn1007Asp (NM_001278617.2); short protein forms N1007D, N1044D, N1064D.
Identifiers: ClinVar variation 1728662 (VCV001728662.2), dbSNP rs2467963298, ClinGen allele CA348088342.